The following is an entry in ClinVar:

ClinVar aggregate classification (germline): Uncertain significance. Review status: criteria provided, multiple submitters, no conflicts (2 of 4 stars). 3 submissions from 3 submitters: Uncertain significance (3). Last evaluated 2026-08-19.

Conditions:
Hereditary nonpolyposis colorectal neoplasms. Identifiers: MedGen C0009405, MeSH D003123.
Hereditary cancer-predisposing syndrome. Also called: Tumor predisposition; Hereditary Cancer Syndrome; Hereditary neoplastic syndrome; Neoplastic Syndromes, Hereditary. Identifiers: Orphanet 140162, MedGen C0027672, MeSH D009386, MONDO:0015356.

Submissions (3):

Ambry Genetics
Classification: Uncertain significance for Hereditary cancer-predisposing syndrome. Last evaluated: 2026-08-19. Review status: criteria provided, single submitter. Criteria: Ambry Variant Classification Scheme 2023. Collection method: clinical testing. Allele origin: germline.
Comment: The p.F104C variant (also known as c.311T>G), located in coding exon 4 of the PMS2 gene, results from a T to G substitution at nucleotide position 311. The phenylalanine at codon 104 is replaced by cysteine, an amino acid with highly dissimilar properties. This amino acid position is highly conserved in available vertebrate species. In addition, this alteration is predicted to be deleterious by in silico analysis. Based on the available evidence, the clinical significance of this variant remains unclear.

Color Diagnostics, LLC DBA Color Health
Classification: Uncertain significance for Hereditary cancer-predisposing syndrome. Last evaluated: 2025-07-02. Review status: criteria provided, single submitter. Criteria: ACMG Guidelines, 2015. Collection method: clinical testing. Allele origin: germline.
Comment: This missense variant replaces phenylalanine with cysteine at codon 104 of the PMS2 protein. Computational prediction suggests that this variant may have deleterious impact on protein structure and function. To our knowledge, functional studies have not been reported for this variant. This variant has not been reported in individuals affected with PMS2-related disorders in the literature. This variant has not been identified in the general population by the Genome Aggregation Database (gnomAD). The available evidence is insufficient to determine the role of this variant in disease conclusively. Therefore, this variant is classified as a Variant of Uncertain Significance.

Labcorp Genetics (formerly Invitae), Labcorp
Classification: Uncertain significance for Hereditary nonpolyposis colorectal neoplasms. Last evaluated: 2020-01-31. Review status: criteria provided, single submitter. Criteria: Invitae Variant Classification Sherloc (09022015). Collection method: clinical testing. Allele origin: germline.
Comment: In summary, the available evidence is currently insufficient to determine the role of this variant in disease. Therefore, it has been classified as a Variant of Uncertain Significance. Algorithms developed to predict the effect of missense changes on protein structure and function (SIFT, PolyPhen-2, Align-GVGD) all suggest that this variant is likely to be disruptive, but these predictions have not been confirmed by published functional studies and their clinical significance is uncertain. This variant has not been reported in the literature in individuals with PMS2-related conditions. This variant is not present in population databases (ExAC no frequency). This sequence change replaces phenylalanine with cysteine at codon 104 of the PMS2 protein (p.Phe104Cys). The phenylalanine residue is highly conserved and there is a large physicochemical difference between phenylalanine and cysteine.

NM_000535.7(PMS2):c.311T>G (p.Phe104Cys)

Gene: PMS2 (PMS1 homolog 2, mismatch repair system component; minus strand). Cytogenetic location: 7p22.1.
Variant type: single nucleotide variant.
Coding change: c.311T>G on transcript NM_000535.7 (MANE Select); coding-DNA position 311, T replaced by G.
Protein change: p.Phe104Cys; replaces phenylalanine 104 with cysteine.
Molecular consequence: missense variant. On other transcripts: 5 prime UTR variant (9), non-coding transcript variant (1), intron variant (2).
Genome position (GRCh38, 1-based): chr7:6,003,732, A>C on the plus strand (T>G on the coding strand, the complement: PMS2 is on the minus strand). VCF-style: chr7-6003732-A-C. GRCh37 (hg19) VCF-style: chr7-6043363-A-C.
Other names: c.-95T>G (NM_001322003.2, NM_001322004.2, NM_001322005.2 and 3 more transcripts); c.311T>G, p.Phe104Cys (NM_001322006.2, NM_001322014.2); c.-574T>G (NM_001322011.2, NM_001322012.2); c.-174T>G (NM_001322015.2); c.35+240T>G (NM_001322008.2, NM_001322007.2); c.311T>G (NM_000535.5); short protein forms F104C.
Identifiers: ClinVar variation 1057110 (VCV001057110.11), dbSNP rs876660295, ClinGen allele CA366744603.